The following is an entry in ClinVar:

NM_000639.3(FASLG):c.44del (p.Val15fs)

Gene: FASLG (Fas ligand; plus strand). Cytogenetic location: 1q24.3.
Variant type: Deletion.
Coding change: c.44del on transcript NM_000639.3 (MANE Select); coding-DNA position 44, one base deleted (T; older notation c.44delT).
Protein change: p.Val15fs; shifts the reading frame from valine 15.
Molecular consequence: frameshift variant.
Genome position (GRCh38, 1-based): chr1:172,659,245, T deleted. VCF-style (leftmost placement, unchanged base first): chr1-172659244-GT-G. GRCh37 (hg19) VCF-style: chr1-172628384-GT-G.
Other names: c.44del, p.Val15fs (NM_001302746.2); short protein forms V15fs.
Identifiers: ClinVar variation 2765866 (VCV002765866.3), dbSNP rs2527587918, ClinGen allele CA2697554669.

ClinVar aggregate classification (germline): Pathogenic (1 of 4 stars; one submission).

Conditions:
Autoimmune lymphoproliferative syndrome type 1. Also called: AUTOIMMUNE LYMPHOPROLIFERATIVE SYNDROME, TYPE I, AUTOSOMAL DOMINANT. Identifiers: Orphanet 3261, MedGen C2717884, MONDO:0011158, OMIM 601859.

Submission:

Labcorp Genetics (formerly Invitae), Labcorp
Classification: Pathogenic for Autoimmune lymphoproliferative syndrome. Last evaluated: 2023-10-05. Review status: criteria provided, single submitter. Criteria: Invitae Variant Classification Sherloc (09022015). Collection method: clinical testing. Allele origin: germline.
Comment: This sequence change creates a premature translational stop signal (p.Val15Glyfs*57) in the FASLG gene. It is expected to result in an absent or disrupted protein product. Loss-of-function variants in FASLG are known to be pathogenic (PMID: 22857792, 25451160). This variant is not present in population databases (gnomAD no frequency). This variant has not been reported in the literature in individuals affected with FASLG-related conditions. For these reasons, this variant has been classified as Pathogenic.

Literature cited by the submitters: PubMed 22857792; PubMed 25451160.